The following is an entry in ClinVar:

NM_001378615.1(CC2D2A):c.4648C>T (p.Leu1550=)

Genes: CC2D2A (coiled-coil and C2 domain containing 2A; plus strand), FBXL5 (F-box and leucine rich repeat protein 5; minus strand). Cytogenetic location: 4p15.32.
Variant type: single nucleotide variant.
Coding change: c.4648C>T on transcript NM_001378615.1 (MANE Select); coding-DNA position 4648, C replaced by T.
Protein change: p.Leu1550=; no amino-acid change (leucine 1550 retained).
Molecular consequence: synonymous variant.
Genome position (GRCh38, 1-based): chr4:15,599,680, C>T. VCF-style: chr4-15599680-C-T. GRCh37 (hg19) VCF-style: chr4-15601303-C-T.
Other names: c.4648C>T, p.Leu1550= (NM_001080522.2); c.4501C>T, p.Leu1501= (NM_001378617.1).
Identifiers: ClinVar variation 257391 (VCV000257391.21), dbSNP rs199861496, ClinGen allele CA2864429.

ClinVar aggregate classification (germline): Conflicting classifications of pathogenicity. Review status: criteria provided, conflicting classifications (1 of 4 stars). 5 submissions from 5 submitters: Uncertain significance (2); Benign (1); Likely benign (2). Last evaluated 2026-02-03.

Conditions:
Joubert syndrome. Also called: Familial aplasia of the vermis; JOUBERT-BOLTSHAUSER SYNDROME. Identifiers: Orphanet 475, MedGen C5979921, MONDO:0018772.
Meckel-Gruber syndrome. Also called: Dysencephalia splachnocystica; DYSENCEPHALIA SPLANCHNOCYSTICA; GRUBER SYNDROME. Identifiers: Orphanet 564, MedGen C0265215, MONDO:0018921.

Allele frequency attached by ClinVar (database versions not stated): gnomAD exomes 0.00005 and 0.00016; ExAC 0.00016; gnomAD 0.00051 and 0.00052; TOPMed 0.00053; ESP Exome Variant Server 0.00066; 1000 Genomes Project 30x 0.00078; 1000 Genomes Project 0.00080.
gnomAD v4.1: 151 of 1,612,206 alleles (0.0094%); highest among the groups gnomAD compares: African/African-American, 0.17%; no homozygotes.

Submissions (5):

Labcorp Genetics (formerly Invitae), Labcorp
Classification: Benign for Joubert syndrome; Meckel-Gruber syndrome. Last evaluated: 2026-02-03. Review status: criteria provided, single submitter. Criteria: Invitae Variant Classification Sherloc (09022015). Collection method: clinical testing. Allele origin: germline.

GeneDx
Classification: Uncertain significance. Last evaluated: 2024-09-04. Review status: criteria provided, single submitter. Criteria: GeneDx Variant Classification Process June 2021. Collection method: clinical testing. Allele origin: germline. Affected: yes.
Comment: Has not been previously published as pathogenic or benign to our knowledge; In silico analysis indicates that this variant does not alter splicing

Blueprint Genetics
Classification: Likely benign. Last evaluated: 2022-10-07. Review status: criteria provided, single submitter. Criteria: ACMG Guidelines, 2015. Collection method: clinical testing. Allele origin: germline.

Eurofins Ntd Llc (ga)
Classification: Uncertain significance. Last evaluated: 2017-08-17. Review status: criteria provided, single submitter. Criteria: EGL Classification Definitions 2015. Collection method: clinical testing. Allele origin: germline. Observed: 9 variant alleles, 9 heterozygotes.

PreventionGenetics, part of Exact Sciences
Classification: Likely benign. Review status: criteria provided, single submitter. Criteria: ACMG Guidelines, 2015. Collection method: clinical testing. Allele origin: germline.